The following is an entry in ClinVar:

NM_001127208.3(TET2):c.3454G>C (p.Gly1152Arg)

Genes: TET2 (tet methylcytosine dioxygenase 2; plus strand), TET2-AS1 (TET2 antisense RNA 1; minus strand). Cytogenetic location: 4q24.
Variant type: single nucleotide variant.
Coding change: c.3454G>C on transcript NM_001127208.3 (MANE Select); coding-DNA position 3454, G replaced by C.
Protein change: p.Gly1152Arg; replaces glycine 1152 with arginine.
Molecular consequence: missense variant. On other transcripts: 3 prime UTR variant (1).
Genome position (GRCh38, 1-based): chr4:105,241,383, G>C. VCF-style: chr4-105241383-G-C. GRCh37 (hg19) VCF-style: chr4-106162540-G-C.
Other names: c.*3943G>C (NM_017628.4); short protein forms G1152R.
Identifiers: ClinVar variation 4810268 (VCV004810268.1).
Genomic context (GRCh38, chr4:105,241,383, plus strand): 5'-TCTATTATCTCAACAGAGCAAATTATTGAAAAAGATGAAGGTCCTTTTTATACCCATCTA[G>C]GAGCAGGTCCTAATGTGGCAGCTATTAGAGAAATCATGGAAGAAAGGTAATTAACGCAAA-3'
Protein context (NP_001120680.1, residues 1142-1162): KDEGPFYTHL[Gly1152Arg]AGPNVAAIRE

ClinVar aggregate classification (germline): Uncertain significance (1 of 4 stars; one submission).

Submission:

Labcorp Genetics (formerly Invitae), Labcorp
Classification: Uncertain significance. Last evaluated: 2025-12-14. Review status: criteria provided, single submitter. Criteria: Invitae Variant Classification Sherloc (09022015). Collection method: clinical testing. Allele origin: germline.
Comment: This sequence change replaces glycine, which is neutral and non-polar, with arginine, which is basic and polar, at codon 1152 of the TET2 protein (p.Gly1152Arg). This variant is not present in population databases (gnomAD no frequency). This variant has not been reported in the literature in individuals affected with TET2-related conditions. An algorithm developed to predict the effect of missense changes on protein structure and function (PolyPhen-2) suggests that this variant is likely to be disruptive. In summary, the available evidence is currently insufficient to determine the role of this variant in disease. Therefore, it has been classified as a Variant of Uncertain Significance.